The following is an entry in ClinVar:

ClinVar aggregate classification (germline): Uncertain significance (1 of 4 stars; one submission).

Submission:

GeneDx
Classification: Uncertain significance. Last evaluated: 2025-02-19. Review status: criteria provided, single submitter. Criteria: GeneDx Variant Classification Process June 2021. Collection method: clinical testing. Allele origin: germline. Affected: yes.
Comment: In silico analysis indicates that this missense variant does not alter protein structure/function; Has not been previously published as pathogenic or benign to our knowledge

NM_020732.3:c.410A>G

Gene: ARID1B (AT-rich interaction domain 1B; plus strand).
Variant type: single nucleotide variant.
Other names: c.410A>G (NM_020732.3).
Identifiers: ClinVar variation 4076767 (VCV004076767.1).